The following is an entry in ClinVar:

NR_033294.2(SNORD118):n.72A>T

Genes: SNORD118 (small nucleolar RNA, C/D box 118; minus strand), TMEM107 (transmembrane protein 107; minus strand). Cytogenetic location: 17p13.1.
Variant type: single nucleotide variant.
Molecular consequence: non-coding transcript variant (on NR_033294.2). On other transcripts: 3 prime UTR variant (5).
Genome position: GRCh38 VCF-style: chr17-8173517-T-A. GRCh37 (hg19) VCF-style: chr17-8076835-T-A.
Other names: c.*686A>T (NM_001351278.2, NM_001351279.2, NM_001351280.2 and 2 more transcripts).
Identifiers: ClinVar variation 1932406 (VCV001932406.5), dbSNP rs201558321, ClinGen allele CA497957074.

ClinVar aggregate classification (germline): Uncertain significance (1 of 4 stars; one submission).

gnomAD v4.1: 2 of 765,396 alleles (0.00026%); highest among the groups gnomAD compares: Non-Finnish European, 0.00048%; no homozygotes.

Submission:

Labcorp Genetics (formerly Invitae), Labcorp
Classification: Uncertain significance. Last evaluated: 2022-08-19. Review status: criteria provided, single submitter. Criteria: Invitae Variant Classification Sherloc (09022015). Collection method: clinical testing. Allele origin: germline.
Comment: In summary, the available evidence is currently insufficient to determine the role of this variant in disease. Therefore, it has been classified as a Variant of Uncertain Significance. Experimental studies and prediction algorithms are not available or were not evaluated, and the functional significance of this variant is currently unknown. This variant occurs in the SNORD118 gene, which encodes an RNA molecule that does not result in a protein product. This variant is present in population databases (no rsID available, gnomAD 0.0009%). This variant has not been reported in the literature in individuals affected with SNORD118-related conditions.